The following is an entry in ClinVar:

NM_005228.5(EGFR):c.1631G>A (p.Gly544Asp)

Gene: EGFR (epidermal growth factor receptor; plus strand). Cytogenetic location: 7p11.2.
Variant type: single nucleotide variant.
Coding change: c.1631G>A on transcript NM_005228.5 (MANE Select); coding-DNA position 1631, G replaced by A.
Protein change: p.Gly544Asp; replaces glycine 544 with aspartic acid.
Molecular consequence: missense variant.
Genome position (GRCh38, 1-based): chr7:55,161,631, G>A. VCF-style: chr7-55161631-G-A. GRCh37 (hg19) VCF-style: chr7-55229324-G-A.
Other names: c.1496G>A, p.Gly499Asp (NM_001346897.2, NM_001346899.2); c.1631G>A, p.Gly544Asp (NM_001346898.2, NM_201282.2, NM_201284.2); c.1472G>A, p.Gly491Asp (NM_001346900.2); c.830G>A, p.Gly277Asp (NM_001346941.2); short protein forms G277D, G544D, G491D, G499D.
Identifiers: ClinVar variation 3843747 (VCV003843747.2).

ClinVar aggregate classification (germline): Uncertain significance. Review status: criteria provided, multiple submitters, no conflicts (2 of 4 stars). 2 submissions from 2 submitters: Uncertain significance (2). Last evaluated 2025-06-19.

Conditions:
EGFR-related lung cancer (EGFR). Identifiers: MedGen CN130014.
Hereditary cancer-predisposing syndrome. Also called: Hereditary neoplastic syndrome; Neoplastic Syndromes, Hereditary; Tumor predisposition; Hereditary Cancer Syndrome. Identifiers: Orphanet 140162, MedGen C0027672, MeSH D009386, MONDO:0015356.

Submissions (2):

Labcorp Genetics (formerly Invitae), Labcorp
Classification: Uncertain significance for EGFR-related lung cancer. Last evaluated: 2025-06-19. Review status: criteria provided, single submitter. Criteria: Invitae Variant Classification Sherloc (09022015). Collection method: clinical testing. Allele origin: germline.
Comment: This sequence change replaces glycine, which is neutral and non-polar, with aspartic acid, which is acidic and polar, at codon 544 of the EGFR protein (p.Gly544Asp). This variant also falls at the last nucleotide of exon 13, which is part of the consensus splice site for this exon. This variant is not present in population databases (gnomAD no frequency). This variant has not been reported in the literature in individuals affected with EGFR-related conditions. ClinVar contains an entry for this variant (Variation ID: 3843747). An algorithm developed to predict the effect of missense changes on protein structure and function (PolyPhen-2) suggests that this variant is likely to be disruptive. Variants that disrupt the consensus splice site are a relatively common cause of aberrant splicing (PMID: 17576681, 9536098). Algorithms developed to predict the effect of sequence changes on RNA splicing suggest that this variant may disrupt the consensus splice site. In summary, the available evidence is currently insufficient to determine the role of this variant in disease. Therefore, it has been classified as a Variant of Uncertain Significance.

Ambry Genetics
Classification: Uncertain significance for Hereditary cancer-predisposing syndrome. Last evaluated: 2024-12-12. Review status: criteria provided, single submitter. Criteria: Ambry Variant Classification Scheme 2023. Collection method: clinical testing. Allele origin: germline.
Comment: The p.G544D variant (also known as c.1631G>A), located in coding exon 13 of the EGFR gene, results from a G to A substitution at nucleotide position 1631. The amino acid change results in glycine to aspartic acid at codon 544, an amino acid with similar properties. However, this change occurs in the last base pair of coding exon 13, which makes it likely to have some effect on normal mRNA splicing. This nucleotide position is highly conserved in available vertebrate species. This amino acid position is highly conserved in available vertebrate species. In silico splice site analysis predicts that this alteration will weaken the native splice donor site and may result in the creation or strengthening of a novel splice donor site. In addition, as a missense substitution this is predicted to be deleterious by in silico analysis. Based on the available evidence, the clinical significance of this variant remains unclear.

Literature cited by the submitters: PubMed 17576681 (cited by Labcorp Genetics (formerly Invitae), Labcorp); PubMed 9536098 (cited by Labcorp Genetics (formerly Invitae), Labcorp).